The following is an entry in ClinVar:

ClinVar aggregate classification (germline): Likely pathogenic (1 of 4 stars; one submission).

Conditions:
Congenital lipoid adrenal hyperplasia due to STAR deficency. Also called: ADRENAL HYPERPLASIA I; Congenital Lipoid Adrenal Hyperplasia; Lipoid adrenal hyperplasia; Cholesterol monooxygenase (side-chain cleaving) deficiency. Identifiers: Orphanet 418, Orphanet 90790, MedGen C0342474, MONDO:0008725, OMIM 201710.

Submission:

Natera, Inc.
Classification: Likely pathogenic for Congenital lipoid adrenal hyperplasia. Last evaluated: 2025-09-26. Review status: criteria provided, single submitter. Criteria: Natera Variant Classification Schema (03/2026). Collection method: clinical testing. Allele origin: germline.
Comment: The c.119_128delTGGGGGGCCC variant in STAR is a frameshift variant predicted to shift the reading frame beginning at codon 40 and leads to a stop codon 66 codons downstream. This variant is expected to result in nonsense mediated decay, truncation, or a dysfunctional protein product. This variant is rare in the general population with a frequency below the threshold expected for the associated phenotype(s). Given the available evidence, this variant is classified as Likely Pathogenic.

NM_000349.3(STAR):c.119_128del (p.Leu40fs)

Gene: STAR (steroidogenic acute regulatory protein; minus strand). Cytogenetic location: 8p11.23.
Variant type: Deletion.
Coding change: c.119_128del on transcript NM_000349.3 (MANE Select); coding-DNA positions 119 to 128, 10 bases deleted (TGGGGGGCCC; older notation c.119_128delTGGGGGGCCC).
Protein change: p.Leu40fs; shifts the reading frame from leucine 40.
Molecular consequence: frameshift variant.
Genome position (GRCh38, 1-based): chr8:38,148,691-38,148,700, GGGCCCCCCA deleted on the plus strand (TGGGGGGCCC on the coding strand, the reverse complement: STAR is on the minus strand); deleting any 10 consecutive bases within chr8:38,148,691-38,148,706 gives the same sequence; the c. name uses the placement nearest the transcript's 3' end. VCF-style (leftmost placement, unchanged base first): chr8-38148690-GGGGCCCCCCA-G. GRCh37 (hg19) VCF-style: chr8-38006208-GGGGCCCCCCA-G.
Other names: short protein forms L40fs.
Identifiers: ClinVar variation 4818218 (VCV004818218.1).